The following is an entry in ClinVar:

ClinVar aggregate classification (germline): Uncertain significance. Review status: criteria provided, multiple submitters, no conflicts (2 of 4 stars). 2 submissions from 2 submitters: Uncertain significance (2). Last evaluated 2021-11-24.

Conditions:
Inborn genetic diseases. Identifiers: MedGen C0950123, MeSH D030342.
Neuropathy, hereditary sensory and autonomic, type 2A (HSAN2A). Also called: WNK1-Related HSAN2 (HSAN2A); HSAN IIA; ACROOSTEOLYSIS, GIACCAI TYPE; ACROOSTEOLYSIS, NEUROGENIC; MORVAN DISEASE; NEUROPATHY, CONGENITAL SENSORY. Identifiers: Orphanet 970, MedGen C2752089, MONDO:0024309, OMIM 201300.
Generalized epilepsy with febrile seizures plus, type 7 (GEFSP7). Also called: GEFS+, TYPE 7. Identifiers: Orphanet 36387, MedGen C2751778, MONDO:0013470, OMIM 613863.

Submissions (2):

Ambry Genetics
Classification: Uncertain significance for Inborn genetic diseases. Last evaluated: 2021-11-24. Review status: criteria provided, single submitter. Criteria: Ambry Variant Classification Scheme 2023. Collection method: clinical testing. Allele origin: germline.
Comment: The p.S1161P variant (also known as c.3481T>C), located in coding exon 18 of the SCN9A gene, results from a T to C substitution at nucleotide position 3481. The serine at codon 1161 is replaced by proline, an amino acid with similar properties. This amino acid position is conserved. In addition, the in silico prediction for this alteration is inconclusive. Since supporting evidence is limited at this time, the clinical significance of this alteration remains unclear.

Labcorp Genetics (formerly Invitae), Labcorp
Classification: Uncertain significance for Neuropathy, hereditary sensory and autonomic, type 2A; Generalized epilepsy with febrile seizures plus, type 7. Last evaluated: 2020-12-02. Review status: criteria provided, single submitter. Criteria: Invitae Variant Classification Sherloc (09022015). Collection method: clinical testing. Allele origin: germline.
Comment: This sequence change replaces serine with proline at codon 1161 of the SCN9A protein (p.Ser1161Pro). The serine residue is highly conserved and there is a moderate physicochemical difference between serine and proline. This variant is not present in population databases (ExAC no frequency). This variant has not been reported in the literature in individuals with SCN9A-related conditions. Algorithms developed to predict the effect of missense changes on protein structure and function are either unavailable or do not agree on the potential impact of this missense change (SIFT: "Deleterious"; PolyPhen-2: "Possibly Damaging"; Align-GVGD: "Class C0"). In summary, the available evidence is currently insufficient to determine the role of this variant in disease. Therefore, it has been classified as a Variant of Uncertain Significance.

NM_001365536.1(SCN9A):c.3514T>C (p.Ser1172Pro)

Genes: SCN1A-AS1 (SCN1A and SCN9A antisense RNA 1; plus strand), SCN9A (sodium voltage-gated channel alpha subunit 9; minus strand). Cytogenetic location: 2q24.3.
Variant type: single nucleotide variant.
Coding change: c.3514T>C on transcript NM_001365536.1 (MANE Select); coding-DNA position 3514, T replaced by C.
Protein change: p.Ser1172Pro; replaces serine 1172 with proline.
Molecular consequence: missense variant.
Genome position (GRCh38, 1-based): chr2:166,242,615, A>G on the plus strand (T>C on the coding strand, the complement: SCN9A is on the minus strand). VCF-style: chr2-166242615-A-G. GRCh37 (hg19) VCF-style: chr2-167099125-A-G.
Other names: c.3481T>C, p.Ser1161Pro (NM_002977.4); short protein forms S1172P, S1161P.
Identifiers: ClinVar variation 1504855 (VCV001504855.10), dbSNP rs1695616894, ClinGen allele CA349070586.